The following is an entry in ClinVar:

ClinVar aggregate classification (germline): Pathogenic (1 of 4 stars; one submission).

Submission:

Labcorp Genetics (formerly Invitae), Labcorp
Classification: Pathogenic. Last evaluated: 2021-06-03. Review status: criteria provided, single submitter. Criteria: Invitae Variant Classification Sherloc (09022015). Collection method: clinical testing. Allele origin: germline.
Comment: This variant has not been reported in the literature in individuals with NTHL1-related conditions. For these reasons, this variant has been classified as Pathogenic. This variant is not present in population databases (ExAC no frequency). This sequence change creates a premature translational stop signal (p.Gln5*) in the NTHL1 gene. It is expected to result in an absent or disrupted protein product. Loss-of-function variants in NTHL1 are known to be pathogenic (PMID: 25938944, 26559593).

Literature cited by the submitters: PubMed 25938944; PubMed 26559593.

NC_000016.10:g.2047835G>A

Gene: NTHL1 (nth like DNA glycosylase 1; minus strand). Cytogenetic location: 16p13.3.
Variant type: single nucleotide variant.
Genome position: GRCh38 VCF-style: chr16-2047835-G-A. GRCh37 (hg19) VCF-style: chr16-2097836-G-A.
Identifiers: ClinVar variation 1425021 (VCV001425021.5), dbSNP rs1179131194, ClinGen allele CA394298840.